The following is an entry in ClinVar:

ClinVar aggregate classification (germline): Conflicting classifications of pathogenicity. Review status: criteria provided, conflicting classifications (1 of 4 stars). 9 submissions from 9 submitters: Uncertain significance (6); Likely benign (2). 1 of the submissions does not count toward it. Last evaluated 2025-12-26.

Conditions:
PCDH15-related disorder. Also called: PCDH15-related disorders; PCDH15-related condition.
Inborn genetic diseases. Identifiers: MedGen C0950123, MeSH D030342.
Autosomal recessive nonsyndromic hearing loss 23. Identifiers: Orphanet 90636, MedGen C1836027, MONDO:0012293, OMIM 609533.

Allele frequency attached by ClinVar (database versions not stated): ESP Exome Variant Server 0.00077; gnomAD exomes 0.00006 and 0.00019; ExAC 0.00026; gnomAD 0.00080 and 0.00085; TOPMed 0.00106; 1000 Genomes Project 0.00120; 1000 Genomes Project 30x 0.00172.
gnomAD v4.1: 212 of 1,613,680 alleles (0.013%); highest among the groups gnomAD compares: African/African-American, 0.25%; 1 homozygote.

Submissions (9):

Labcorp Genetics (formerly Invitae), Labcorp
Classification: Likely benign. Last evaluated: 2025-12-26. Review status: criteria provided, single submitter. Criteria: Invitae Variant Classification Sherloc (09022015). Collection method: clinical testing. Allele origin: germline.

Ambry Genetics
Classification: Uncertain significance for Inborn genetic diseases. Last evaluated: 2025-02-07. Review status: criteria provided, single submitter. Criteria: Ambry Variant Classification Scheme 2023. Collection method: clinical testing. Allele origin: germline.

Blueprint Genetics
Classification: Likely benign. Last evaluated: 2024-05-27. Review status: criteria provided, single submitter. Criteria: ACMG Guidelines, 2015. Collection method: clinical testing. Allele origin: germline.

Center of Genomic medicine, Geneva, University Hospital of Geneva
Classification: Uncertain significance for Autosomal recessive nonsyndromic hearing loss 23. Last evaluated: 2019-10-08. Review status: criteria provided, single submitter. Criteria: ACMG Guidelines, 2015. Collection method: clinical testing. Allele origin: maternal. Affected: yes. Observed: 1 variant allele.

Laboratory for Molecular Medicine, Mass General Brigham Personalized Medicine
Classification: Uncertain significance. Last evaluated: 2019-01-03. Review status: criteria provided, single submitter. Criteria: LMM Criteria. Collection method: clinical testing. Allele origin: germline. Observed: 2 variant alleles.
Comment: This varia nt has also been reported in ClinVar (Variation iD 96235). Computational predict ion tools and conservation analyses do not provide strong support for or against an impact to the protein. In summary, the clinical significance of the p.Ser317 Thr variant is uncertain. ACMG/AMP Criteria applied: BS1_Supporting.

GeneDx
Classification: Uncertain significance. Last evaluated: 2018-01-12. Review status: criteria provided, single submitter. Criteria: GeneDx Variant Classification (06012015). Collection method: clinical testing. Allele origin: germline. Affected: yes.
Comment: The S317T variant in the PCDH15 gene has not been reported previously as a pathogenic variant, nor as a benign variant, to our knowledge. The S317T variant is observed in 60/277126 (0.022%) alleles in large population cohorts, with no homozygotes observed (Lek et al., 2016). The S317T variant is a conservative amino acid substitution, which is not likely to impact secondary protein structure as these residues share similar properties. In-silico analyses, including protein predictors and evolutionary conservation, support that this variant does not alter protein structure/function. We interpret S317T as a variant of uncertain significance.

ARUP Laboratories, Molecular Genetics and Genomics, ARUP Laboratories
Classification: Uncertain significance. Last evaluated: 2016-11-11. Review status: criteria provided, single submitter. Criteria: ARUP Molecular Germline Variant Investigation Process. Collection method: clinical testing. Allele origin: germline.

Eurofins Ntd Llc (ga)
Classification: Uncertain significance. Last evaluated: 2015-10-09. Review status: criteria provided, single submitter. Criteria: EGL Classification Definitions 2015. Collection method: clinical testing. Allele origin: germline. Observed: 2 variant alleles, 2 heterozygotes.

PreventionGenetics, part of Exact Sciences
Classification: Likely benign for PCDH15-related condition. Last evaluated: 2024-04-16. Review status: no assertion criteria provided. Collection method: clinical testing. Allele origin: germline. Not counted in ClinVar's aggregate classification.
Comment: This variant is classified as likely benign based on ACMG/AMP sequence variant interpretation guidelines (Richards et al. 2015 PMID: 25741868, with internal and published modifications).

NM_001384140.1(PCDH15):c.949T>A (p.Ser317Thr)

Gene: PCDH15 (protocadherin related 15; minus strand). Cytogenetic location: 10q21.1.
Variant type: single nucleotide variant.
Coding change: c.949T>A on transcript NM_001384140.1 (MANE Select); coding-DNA position 949, T replaced by A.
Protein change: p.Ser317Thr; replaces serine 317 with threonine.
Molecular consequence: missense variant.
Genome position (GRCh38, 1-based): chr10:54,236,859, A>T on the plus strand (T>A on the coding strand, the complement: PCDH15 is on the minus strand). VCF-style: chr10-54236859-A-T. GRCh37 (hg19) VCF-style: chr10-55996619-A-T.
Other names: c.964T>A, p.Ser322Thr (NM_001142763.2, NM_001142769.4, NM_001142771.2); c.949T>A, p.Ser317Thr (NM_001142764.2, NM_001142765.2, NM_001142766.2 and 7 more transcripts); c.838T>A, p.Ser280Thr (NM_001142767.2); c.883T>A, p.Ser295Thr (NM_001142768.2, NM_001142773.2, NM_001354404.2); short protein forms S317T, S295T, S280T, S322T.
Identifiers: ClinVar variation 96235 (VCV000096235.33), dbSNP rs140736502, ClinGen allele CA223849.